The following is an entry in ClinVar:

ClinVar aggregate classification (germline): Uncertain significance (1 of 4 stars; one submission).

Conditions:
Glycogen storage disease, type II (IOPD). Also called: Glucosidase acid-1,4-alpha deficiency; Pompe Disease; GLYCOGENOSIS, GENERALIZED, CARDIAC FORM; GSD II; POMPE DISEASE, INFANTILE-ONSET; GLYCOGEN STORAGE DISEASE II, INFANTILE-ONSET. Identifiers: Orphanet 365, MedGen C0017921, MONDO:0009290, OMIM 232300.

Submission:

Labcorp Genetics (formerly Invitae), Labcorp
Classification: Uncertain significance for Glycogen storage disease, type II. Last evaluated: 2021-08-04. Review status: criteria provided, single submitter. Criteria: Invitae Variant Classification Sherloc (09022015). Collection method: clinical testing. Allele origin: germline.
Comment: In summary, the available evidence is currently insufficient to determine the role of this variant in disease. Therefore, it has been classified as a Variant of Uncertain Significance. Advanced modeling of protein sequence and biophysical properties (such as structural, functional, and spatial information, amino acid conservation, physicochemical variation, residue mobility, and thermodynamic stability) performed at Invitae indicates that this missense variant is expected to disrupt GAA protein function. This variant has not been reported in the literature in individuals affected with GAA-related conditions. This variant is not present in population databases (ExAC no frequency). This sequence change replaces tyrosine with aspartic acid at codon 191 of the GAA protein (p.Tyr191Asp). The tyrosine residue is highly conserved and there is a large physicochemical difference between tyrosine and aspartic acid.

NM_000152.5(GAA):c.571T>G (p.Tyr191Asp)

Gene: GAA (alpha glucosidase; plus strand). Cytogenetic location: 17q25.3.
Variant type: single nucleotide variant.
Coding change: c.571T>G on transcript NM_000152.5 (MANE Select); coding-DNA position 571, T replaced by G.
Protein change: p.Tyr191Asp; replaces tyrosine 191 with aspartic acid.
Molecular consequence: missense variant.
Genome position (GRCh38, 1-based): chr17:80,105,773, T>G. VCF-style: chr17-80105773-T-G. GRCh37 (hg19) VCF-style: chr17-78079572-T-G.
Other names: c.571T>G, p.Tyr191Asp (NM_001079803.3, NM_001079804.3); short protein forms Y191D.
Identifiers: ClinVar variation 1398409 (VCV001398409.6), dbSNP rs149295512, ClinGen allele CA401362120.
Genomic context (GRCh38, chr17:80,105,773, plus strand): 5'-CTGTGGGGAACATCAATAAACCCCCATCTCTTCTAGATCAAAGATCCAGCTAACAGGCGC[T>G]ACGAGGTGCCCTTGGAGACCCCGCATGTCCACAGCCGGGCACCGTCCCCACTCTACAGCG-3'
Protein context (NP_000143.2, residues 181-201): FTIKDPANRR[Tyr191Asp]EVPLETPHVH